The following is an entry in ClinVar:

ClinVar aggregate classification (germline): Uncertain significance. Review status: criteria provided, multiple submitters, no conflicts (2 of 4 stars). 2 submissions from 2 submitters: Uncertain significance (2). Last evaluated 2022-03-31.

Conditions:
Congenital myasthenic syndrome 9. Also called: Myasthenic syndrome, congenital, 9, associated with acetylcholine receptor deficiency. Identifiers: Orphanet 590, MedGen C4225368, MONDO:0014587, OMIM 616325.
Fetal akinesia deformation sequence 1 (FADS1). Also called: Fetal akinesia sequence; Pena-Shokeir syndrome type I. Identifiers: Orphanet 994, MedGen C1276035, MONDO:0100101, OMIM 208150, HP:0001989.

Allele frequency attached by ClinVar (database versions not stated): ExAC 0.00001; gnomAD exomes 0.00001; TOPMed 0.00002; 1000 Genomes Project 30x 0.00016.
gnomAD v4.1: 4 of 1,613,156 alleles (0.00025%); highest among the groups gnomAD compares: Non-Finnish European, 0.00034%; no homozygotes.

Submissions (2):

Labcorp Genetics (formerly Invitae), Labcorp
Classification: Uncertain significance for Congenital myasthenic syndrome 9; Fetal akinesia deformation sequence 1. Last evaluated: 2022-03-31. Review status: criteria provided, single submitter. Criteria: Invitae Variant Classification Sherloc (09022015). Collection method: clinical testing. Allele origin: germline.
Comment: This sequence change replaces valine, which is neutral and non-polar, with leucine, which is neutral and non-polar, at codon 387 of the MUSK protein (p.Val387Leu). This variant is present in population databases (rs770907001, gnomAD 0.002%). In summary, the available evidence is currently insufficient to determine the role of this variant in disease. Therefore, it has been classified as a Variant of Uncertain Significance. Advanced modeling of protein sequence and biophysical properties (such as structural, functional, and spatial information, amino acid conservation, physicochemical variation, residue mobility, and thermodynamic stability) performed at Invitae indicates that this missense variant is not expected to disrupt MUSK protein function. This variant has not been reported in the literature in individuals affected with MUSK-related conditions.

Revvity Omics, Revvity
Classification: Uncertain significance. Last evaluated: 2019-11-20. Review status: criteria provided, single submitter. Criteria: ACMG Guidelines, 2015. Collection method: clinical testing. Allele origin: germline.

NM_005592.4(MUSK):c.1159G>T (p.Val387Leu)

Gene: MUSK (muscle associated receptor tyrosine kinase; plus strand). Cytogenetic location: 9q31.3.
Variant type: single nucleotide variant.
Coding change: c.1159G>T on transcript NM_005592.4 (MANE Select); coding-DNA position 1159, G replaced by T.
Protein change: p.Val387Leu; replaces valine 387 with leucine.
Molecular consequence: missense variant. On other transcripts: 5 prime UTR variant (1), intron variant (2).
Genome position (GRCh38, 1-based): chr9:110,768,058, G>T. VCF-style: chr9-110768058-G-T. GRCh37 (hg19) VCF-style: chr9-113530338-G-T.
Other names: c.1159G>T (NM_005592.3); c.-78G>T (NM_001369398.1); c.950+5850G>T (NM_001166280.2); c.920+5850G>T (NM_001166281.2); short protein forms V387L.
Identifiers: ClinVar variation 1352997 (VCV001352997.7), dbSNP rs770907001, ClinGen allele CA5184280.